The following is an entry in ClinVar:

NM_001267550.2(TTN):c.177C>A (p.Ser59Arg)

Gene: TTN (titin; minus strand). Cytogenetic location: 2q31.2.
Variant type: single nucleotide variant.
Coding change: c.177C>A on transcript NM_001267550.2 (MANE Select); coding-DNA position 177, C replaced by A.
Protein change: p.Ser59Arg; replaces serine 59 with arginine.
Molecular consequence: missense variant.
Genome position (GRCh38, 1-based): chr2:178,802,256, G>T on the plus strand (C>A on the coding strand, the complement: TTN is on the minus strand). VCF-style: chr2-178802256-G-T. GRCh37 (hg19) VCF-style: chr2-179666983-G-T.
Other names: c.177C>A, p.Ser59Arg (NM_133378.4, NM_003319.4, NM_001256850.1 and 3 more transcripts); short protein forms S59R.
Identifiers: ClinVar variation 46686 (VCV000046686.33), dbSNP rs191057824, ClinGen allele CA138956.

ClinVar aggregate classification (germline): Conflicting classifications of pathogenicity. Review status: criteria provided, conflicting classifications (1 of 4 stars). 9 submissions from 9 submitters: Uncertain significance (5); Likely benign (1). 3 of the submissions do not count toward it. Last evaluated 2020-06-10.

Conditions:
Cardiovascular phenotype. Identifiers: MedGen CN230736.

Allele frequency attached by ClinVar (database versions not stated): TOPMed 0.00006; ESP Exome Variant Server 0.00008.
gnomAD v4.1: 143 of 1,613,984 alleles (0.0089%); highest among the groups gnomAD compares: Non-Finnish European, 0.011%; no homozygotes.

Submissions (9):

GeneDx
Classification: Likely benign. Last evaluated: 2020-06-10. Review status: criteria provided, single submitter. Criteria: GeneDx Variant Classification Process June 2021. Collection method: clinical testing. Allele origin: germline. Affected: yes.

Revvity Omics, Revvity
Classification: Uncertain significance. Last evaluated: 2019-12-19. Review status: criteria provided, single submitter. Criteria: ACMG Guidelines, 2015. Collection method: clinical testing. Allele origin: germline.

Ambry Genetics
Classification: Uncertain significance for Cardiovascular phenotype. Last evaluated: 2018-09-24. Review status: criteria provided, single submitter. Criteria: Ambry Variant Classification Scheme 2023. Collection method: clinical testing. Allele origin: germline.
Comment: The p.S59R variant (also known as c.177C>A), located in coding exon 2 of the TTN gene, results from a C to A substitution at nucleotide position 177. The serine at codon 59 is replaced by arginine, an amino acid with dissimilar properties. This amino acid position is highly conserved in available vertebrate species. In addition, the in silico prediction for this alteration is inconclusive. Since supporting evidence is limited at this time, the clinical significance of this alteration remains unclear.

Eurofins Ntd Llc (ga)
Classification: Uncertain significance. Last evaluated: 2017-02-06. Review status: criteria provided, single submitter. Criteria: EGL Classification Definitions 2015. Collection method: clinical testing. Allele origin: germline. Observed: 1 variant allele, 1 heterozygote.

Athena Diagnostics
Classification: Uncertain significance. Last evaluated: 2016-08-30. Review status: criteria provided, single submitter. Criteria: Athena Diagnostics Criteria. Collection method: clinical testing. Allele origin: germline.

Laboratory for Molecular Medicine, Mass General Brigham Personalized Medicine
Classification: Uncertain significance. Last evaluated: 2012-04-20. Review status: criteria provided, single submitter. Criteria: LMM Criteria. Collection method: clinical testing. Allele origin: germline. Observed: 2 variant alleles.
Comment: The Ser59Arg variant (TTN) has not been reported in the literature nor previousl y identified by our laboratory. Computational analyses (biochemical amino acid p roperties, conservation, AlignGVGD, PolyPhen2, and SIFT) suggest that this varia nt may impact the protein, though this information is not predictive enough to d etermine pathogenicity. Additional information is needed to fully assess the cli nical significance of the Ser59Arg variant.

Clinical Genetics DNA and cytogenetics Diagnostics Lab, Erasmus MC, Erasmus Medical Center
Classification: Uncertain significance. Review status: no assertion criteria provided. Collection method: clinical testing. Allele origin: germline. Affected: yes. Study: VKGL Data-share Consensus. Not counted in ClinVar's aggregate classification.

Clinical Genetics, Academic Medical Center
Classification: Uncertain significance. Review status: no assertion criteria provided. Collection method: clinical testing. Allele origin: germline. Affected: yes. Study: VKGL Data-share Consensus. Not counted in ClinVar's aggregate classification.

Diagnostic Laboratory, Department of Genetics, University Medical Center Groningen
Classification: Uncertain significance. Review status: no assertion criteria provided. Collection method: clinical testing. Allele origin: germline. Affected: yes. Study: VKGL Data-share Consensus. Not counted in ClinVar's aggregate classification.